The following is an entry in ClinVar:

ClinVar aggregate classification (germline): Conflicting classifications of pathogenicity. Review status: criteria provided, conflicting classifications (1 of 4 stars). 10 submissions from 10 submitters: Uncertain significance (1); Benign (3); Likely benign (4). 2 of the submissions do not count toward it. Last evaluated 2026-02-02.

Conditions:
Inborn genetic diseases. Identifiers: MedGen C0950123, MeSH D030342.
Progressive myoclonic epilepsy type 3. Also called: EPILEPSY, PROGRESSIVE MYOCLONIC, 3, WITHOUT INTRACELLULAR INCLUSIONS; KCTD7-Related Progressive Myoclonic Epilepsy; EPILEPSY, PROGRESSIVE MYOCLONIC, 3, WITH OR WITHOUT INTRACELLULAR INCLUSIONS; CEROID LIPOFUSCINOSIS, NEURONAL, 14. Identifiers: Orphanet 263516, MedGen C2673257, MONDO:0012721, OMIM 611726.

Allele frequency attached by ClinVar (database versions not stated): 1000 Genomes Project 30x 0.00094; 1000 Genomes Project 0.00100; ExAC 0.00124; gnomAD 0.00147 and 0.00148; TOPMed 0.00152; ESP Exome Variant Server 0.00231.
gnomAD v4.1: 3,275 of 1,614,252 alleles (0.2%); highest among the groups gnomAD compares: Non-Finnish European, 0.24%; 9 homozygotes.

Submissions (10):

Labcorp Genetics (formerly Invitae), Labcorp
Classification: Benign for Progressive myoclonic epilepsy type 3. Last evaluated: 2026-02-02. Review status: criteria provided, single submitter. Criteria: Invitae Variant Classification Sherloc (09022015). Collection method: clinical testing. Allele origin: germline.

CeGaT Center for Human Genetics Tuebingen
Classification: Likely benign. Last evaluated: 2025-12-01. Review status: criteria provided, single submitter. Criteria: CeGaT Center For Human Genetics Tuebingen Variant Classification Criteria Version 2. Collection method: clinical testing. Allele origin: germline. Affected: yes. Observed: 2 variant alleles.
Comment: KCTD7: BP4, BP7

Mayo Clinic Laboratories, Mayo Clinic
Classification: Benign. Last evaluated: 2025-03-26. Review status: criteria provided, single submitter. Criteria: ACMG Guidelines, 2015. Collection method: clinical testing. Allele origin: germline. Observed: 4 variant alleles.
Comment: BA1, BP4, BP7

Blueprint Genetics
Classification: Likely benign. Last evaluated: 2024-11-07. Review status: criteria provided, single submitter. Criteria: ACMG Guidelines, 2015. Collection method: clinical testing. Allele origin: germline.

Illumina Laboratory Services, Illumina
Classification: Uncertain significance for Progressive myoclonic epilepsy type 3. Last evaluated: 2018-01-13. Review status: criteria provided, single submitter. Criteria: ICSL Variant Classification Criteria 13 December 2019. Collection method: clinical testing. Allele origin: germline.

Athena Diagnostics
Classification: Likely benign. Last evaluated: 2017-07-11. Review status: criteria provided, single submitter. Criteria: Athena Diagnostics Criteria. Collection method: clinical testing. Allele origin: germline.

Ambry Genetics
Classification: Likely benign for Inborn genetic diseases. Last evaluated: 2016-04-15. Review status: criteria provided, single submitter. Criteria: Ambry Variant Classification Scheme 2023. Collection method: clinical testing. Allele origin: germline.

GeneDx
Classification: Benign. Last evaluated: 2014-05-20. Review status: criteria provided, single submitter. Criteria: GeneDx Variant Classification (06012015). Collection method: clinical testing. Allele origin: germline. Affected: yes.
Comment: This variant is considered likely benign or benign based on one or more of the following criteria: it is a conservative change, it occurs at a poorly conserved position in the protein, it is predicted to be benign by multiple in silico algorithms, and/or has population frequency not consistent with disease.

Clinical Genetics DNA and cytogenetics Diagnostics Lab, Erasmus MC, Erasmus Medical Center
Classification: Likely benign. Review status: no assertion criteria provided. Collection method: clinical testing. Allele origin: germline. Affected: yes. Study: VKGL Data-share Consensus. Not counted in ClinVar's aggregate classification.

Genome Diagnostics Laboratory, University Medical Center Utrecht
Classification: Likely benign. Review status: no assertion criteria provided. Collection method: clinical testing. Allele origin: germline. Affected: yes. Study: VKGL Data-share Consensus. Not counted in ClinVar's aggregate classification.

NM_153033.5(KCTD7):c.384G>A (p.Glu128=)

Gene: KCTD7 (potassium channel tetramerization domain containing 7; plus strand). Cytogenetic location: 7q11.21.
Variant type: single nucleotide variant.
Coding change: c.384G>A on transcript NM_153033.5 (MANE Select); coding-DNA position 384, G replaced by A.
Protein change: p.Glu128=; no amino-acid change (glutamic acid 128 retained).
Molecular consequence: synonymous variant.
Genome position (GRCh38, 1-based): chr7:66,638,322, G>A. VCF-style: chr7-66638322-G-A. GRCh37 (hg19) VCF-style: chr7-66103309-G-A.
Other names: p.E128E:GAG>GAA; p.Glu128=; c.384G>A, p.Glu128= (NM_001167961.2).
Identifiers: ClinVar variation 138057 (VCV000138057.48), dbSNP rs145238250, ClinGen allele CA291855.